The following is an entry in ClinVar:

ClinVar aggregate classification (germline): Uncertain significance (1 of 4 stars; one submission).

Conditions:
Inborn genetic diseases. Identifiers: MedGen C0950123, MeSH D030342.

gnomAD v4.1: 1 of 1,609,518 alleles (0.000062%); highest among the groups gnomAD compares: Non-Finnish European, 0.000085%; no homozygotes.

Submission:

Ambry Genetics
Classification: Uncertain significance for Inborn genetic diseases. Last evaluated: 2025-02-22. Review status: criteria provided, single submitter. Criteria: Ambry Variant Classification Scheme 2023. Collection method: clinical testing. Allele origin: germline.
Comment: The p.H462Y variant (also known as c.1384C>T), located in coding exon 16 of the RTEL1 gene, results from a C to T substitution at nucleotide position 1384. The histidine at codon 462 is replaced by tyrosine, an amino acid with similar properties. This amino acid position is conserved. In addition, this alteration is predicted to be tolerated by in silico analysis. Based on the available evidence, the clinical significance of this variant remains unclear.

NM_001283009.2(RTEL1):c.1384C>T (p.His462Tyr)

Genes: RTEL1 (regulator of telomere elongation helicase 1; plus strand), RTEL1-TNFRSF6B (RTEL1-TNFRSF6B readthrough (NMD candidate); plus strand). Cytogenetic location: 20q13.33.
Variant type: single nucleotide variant.
Coding change: c.1384C>T on transcript NM_001283009.2 (MANE Select); coding-DNA position 1384, C replaced by T.
Protein change: p.His462Tyr; replaces histidine 462 with tyrosine.
Molecular consequence: missense variant. On other transcripts: non-coding transcript variant (1).
Genome position (GRCh38, 1-based): chr20:63,687,673, C>T. VCF-style: chr20-63687673-C-T. GRCh37 (hg19) VCF-style: chr20-62319026-C-T.
Other names: c.715C>T, p.His239Tyr (NM_001283010.1); c.1384C>T, p.His462Tyr (NM_016434.4); c.1456C>T, p.His486Tyr (NM_032957.5); short protein forms H239Y, H486Y, H462Y.
Identifiers: ClinVar variation 3791175 (VCV003791175.1).